The following is an entry in ClinVar:

NM_004655.4(AXIN2):c.1237T>G (p.Ser413Ala)

Gene: AXIN2 (axin 2; minus strand). Cytogenetic location: 17q24.1.
Variant type: single nucleotide variant.
Coding change: c.1237T>G on transcript NM_004655.4 (MANE Select); coding-DNA position 1237, T replaced by G.
Protein change: p.Ser413Ala; replaces serine 413 with alanine.
Molecular consequence: missense variant.
Genome position (GRCh38, 1-based): chr17:65,537,799, A>C on the plus strand (T>G on the coding strand, the complement: AXIN2 is on the minus strand). VCF-style: chr17-65537799-A-C. GRCh37 (hg19) VCF-style: chr17-63533917-A-C.
Other names: c.1237T>G, p.Ser413Ala (NM_001363813.1); short protein forms S413A.
Identifiers: ClinVar variation 1946739 (VCV001946739.7), dbSNP rs2509418217, ClinGen allele CA400677902.

ClinVar aggregate classification (germline): Uncertain significance. Review status: criteria provided, multiple submitters, no conflicts (2 of 4 stars). 2 submissions from 2 submitters: Uncertain significance (2). Last evaluated 2023-07-27.

Conditions:
Hereditary cancer-predisposing syndrome. Also called: Tumor predisposition; Hereditary neoplastic syndrome; Neoplastic Syndromes, Hereditary; Hereditary Cancer Syndrome. Identifiers: Orphanet 140162, MedGen C0027672, MeSH D009386, MONDO:0015356.
Oligodontia-cancer predisposition syndrome. Also called: TOOTH AGENESIS-COLORECTAL CANCER SYNDROME. Identifiers: Orphanet 300576, MedGen C1837750, MONDO:0012075, OMIM 608615. Disease mechanism: loss of function.

Submissions (2):

Ambry Genetics
Classification: Uncertain significance for Hereditary cancer-predisposing syndrome. Last evaluated: 2023-07-27. Review status: criteria provided, single submitter. Criteria: Ambry Variant Classification Scheme 2023. Collection method: clinical testing. Allele origin: germline.
Comment: The p.S413A variant (also known as c.1237T>G), located in coding exon 5 of the AXIN2 gene, results from a T to G substitution at nucleotide position 1237. The serine at codon 413 is replaced by alanine, an amino acid with similar properties. This amino acid position is conserved. In addition, this alteration is predicted to be tolerated by in silico analysis. Since supporting evidence is limited at this time, the clinical significance of this alteration remains unclear.

Labcorp Genetics (formerly Invitae), Labcorp
Classification: Uncertain significance for Oligodontia-cancer predisposition syndrome. Last evaluated: 2022-04-24. Review status: criteria provided, single submitter. Criteria: Invitae Variant Classification Sherloc (09022015). Collection method: clinical testing. Allele origin: germline.
Comment: Algorithms developed to predict the effect of missense changes on protein structure and function output the following: SIFT: "Tolerated"; PolyPhen-2: "Benign"; Align-GVGD: "Class C0". The alanine amino acid residue is found in multiple mammalian species, which suggests that this missense change does not adversely affect protein function. In summary, the available evidence is currently insufficient to determine the role of this variant in disease. Therefore, it has been classified as a Variant of Uncertain Significance. This sequence change replaces serine, which is neutral and polar, with alanine, which is neutral and non-polar, at codon 413 of the AXIN2 protein (p.Ser413Ala). This variant is not present in population databases (gnomAD no frequency). This variant has not been reported in the literature in individuals affected with AXIN2-related conditions.